The following is an entry in ClinVar:

ClinVar aggregate classification (germline): Uncertain significance (1 of 4 stars; one submission).

Conditions:
Cardiovascular phenotype. Identifiers: MedGen CN230736.

Allele frequency attached by ClinVar (database versions not stated): gnomAD exomes below 0.00001; ExAC 0.00001.
gnomAD v4.1: 1 of 1,613,376 alleles (0.000062%); highest among the groups gnomAD compares: Non-Finnish European, 0.000085%; no homozygotes.

Submission:

Ambry Genetics
Classification: Uncertain significance for Cardiovascular phenotype. Last evaluated: 2021-12-10. Review status: criteria provided, single submitter. Criteria: Ambry Variant Classification Scheme 2023. Collection method: clinical testing. Allele origin: germline.
Comment: The c.2125+1G>A intronic variant results from a G to A substitution one nucleotide after coding exon 13 of the DSC2 gene. This variant has been detected in a cohort not selected for the presence of arrhythmogenic right ventricular cardiomyopathy; however, details were limited (Carruth ED et al. Circ Genom Precis Med, 2019 11;12:e002579). In silico splice site analysis predicts that this alteration will weaken the native splice donor site and may result in the creation or strengthening of a novel splice donor site. Alterations that disrupt the canonical splice site are expected to cause aberrant splicing, resulting in an abnormal protein or a transcript that is subject to nonsense-mediated mRNA decay; however, although direct evidence is unavailable, one of the predicted consequences of this variant is a transcript that is predicted to be in-frame and is not expected to trigger nonsense-mediated mRNA decay. The exact functional effect of the altered amino acid sequence is unknown. This nucleotide position is highly conserved in available vertebrate species. Since supporting evidence is limited at this time, the clinical significance of this alteration remains unclear.

Literature cited by the submitters: PubMed 31638835.

NM_024422.6(DSC2):c.2125+1G>A

Gene: DSC2 (desmocollin 2; minus strand). Cytogenetic location: 18q12.1.
Variant type: single nucleotide variant.
Coding change: c.2125+1G>A on transcript NM_024422.6 (MANE Select); the canonical splice donor site of the intron after coding-DNA position 2125, G replaced by A.
Molecular consequence: splice donor variant.
Genome position (GRCh38, 1-based): chr18:31,071,604, C>T on the plus strand (G>A on the coding strand, the complement: DSC2 is on the minus strand). VCF-style: chr18-31071604-C-T. GRCh37 (hg19) VCF-style: chr18-28651570-C-T.
Other names: c.2125+1G>A (NM_004949.5); c.1696+1G>A (NM_001406506.1, NM_001406507.1).
Identifiers: ClinVar variation 1786303 (VCV001786303.2), dbSNP rs754314549, ClinGen allele CA8924778.